The following is an entry in ClinVar:

NM_170707.4(LMNA):c.1616_1617delinsTT (p.Ala539Val)

Gene: LMNA (lamin A/C; plus strand). Cytogenetic location: 1q22.
Variant type: Indel.
Coding change: c.1616_1617delinsTT on transcript NM_170707.4 (MANE Select); coding-DNA positions 1616 to 1617, CC replaced by TT.
Protein change: p.Ala539Val; replaces alanine 539 with valine.
Molecular consequence: missense variant. On other transcripts: intron variant (1).
Genome position (GRCh38, 1-based): chr1:156,137,661-156,137,662, CC replaced by TT. VCF-style: chr1-156137661-CC-TT. GRCh37 (hg19) VCF-style: chr1-156107452-CC-TT.
Other names: c.1280_1281delinsTT, p.Ala427Val (NM_001257374.3, NM_001406989.1, NM_001406998.1); c.1373_1374delinsTT, p.Ala458Val (NM_001282624.2, NM_001406986.1, NM_001406987.1); c.1616_1617delinsTT, p.Ala539Val (NM_001282625.2, NM_001282626.2, NM_001406983.1 and 5 more transcripts); c.1319_1320delinsTT, p.Ala440Val (NM_001406988.1); c.1058_1059delinsTT, p.Ala353Val (NM_001406990.1, NM_001406993.1, NM_001406995.1 and 4 more transcripts); c.992_993delinsTT, p.Ala331Val (NM_001406994.1, NM_001406999.1, NM_001407000.1 and 1 more transcripts); c.1608+429_1608+430delinsTT (NM_170708.4); short protein forms A331V, A353V, A427V, A440V, A458V, A539V.
Identifiers: ClinVar variation 3237189 (VCV003237189.1), dbSNP rs2528018373.

ClinVar aggregate classification (germline): Uncertain significance (1 of 4 stars; one submission).

Conditions:
Emery-Dreifuss muscular dystrophy 2, autosomal dominant (EDMD2). Also called: MUSCULAR DYSTROPHY WITH EARLY CONTRACTURES AND CARDIOMYOPATHY, AUTOSOMAL DOMINANT; SCAPULOILIOPERONEAL ATROPHY WITH CARDIOPATHY; Benign scapuloperoneal muscular dystrophy with cardiomyopathy; LMNA-Related Emery-Dreifuss Muscular Dystrophy, Autosomal; HAUPTMANN-THANNHAUSER MUSCULAR DYSTROPHY; Limb-girdle muscular dystrophy, type 1B. Identifiers: Orphanet 261, Orphanet 264, MedGen C0410190, MONDO:0021569, OMIM 181350.

Submission:

HUSP Clinical Genetics Laboratory, Hospital Universitario San Pedro De Logroño (HUSP)
Classification: Uncertain significance for Emery-Dreifuss muscular dystrophy 2, autosomal dominant. Review status: criteria provided, single submitter. Criteria: ACMG Guidelines, 2015. Collection method: clinical testing. Allele origin: de novo. Inheritance: Autosomal dominant inheritance. Affected: yes. Observed: 1 variant allele.
Comment: The main suspicion was muscular dystrophy or polyneuropathy. The c.1616_1617delCCinsTT variant in the exon 10 of LMNA (NM_170707.4) results in a change of the predicted protein (p.Ala539Val). The variant is not detected in general population. Similar variant LMNA(NM_170707.4):c.1616C>T (p.Ala539Val) has been reported in ClinVar as “uncertain significance”. In silico tools classifies de variant as "patohogenic strong" and being a very unfrequent in population and "de novo" variant, we think is related with the patient observed clinic.